The following is an entry in ClinVar:

ClinVar aggregate classification (germline): Uncertain significance (1 of 4 stars; one submission).

Conditions:
Curry-Hall syndrome (WAD). Also called: WEYERS ACRODENTAL DYSOSTOSIS. Identifiers: Orphanet 952, MedGen C0457013, MONDO:0008673, OMIM 193530.
Ellis-van Creveld syndrome (EVC). Also called: EVC-Related Ellis-van Creveld Syndrome; EVC2-Related Ellis-van Creveld Syndrome; MESOECTODERMAL DYSPLASIA; Chondroectodermal dysplasia. Identifiers: Orphanet 289, MedGen C0013903, MONDO:0009162, OMIM 225500.

Submission:

Labcorp Genetics (formerly Invitae), Labcorp
Classification: Uncertain significance for Curry-Hall syndrome; Ellis-van Creveld syndrome. Last evaluated: 2023-07-17. Review status: criteria provided, single submitter. Criteria: Invitae Variant Classification Sherloc (09022015). Collection method: clinical testing. Allele origin: germline.
Comment: In summary, the available evidence is currently insufficient to determine the role of this variant in disease. Therefore, it has been classified as a Variant of Uncertain Significance. Algorithms developed to predict the effect of missense changes on protein structure and function output the following: SIFT: "Not Available"; PolyPhen-2: "Benign"; Align-GVGD: "Not Available". The isoleucine amino acid residue is found in multiple mammalian species, which suggests that this missense change does not adversely affect protein function. This variant has not been reported in the literature in individuals affected with EVC2-related conditions. This variant is not present in population databases (gnomAD no frequency). This sequence change replaces threonine, which is neutral and polar, with isoleucine, which is neutral and non-polar, at codon 266 of the EVC2 protein (p.Thr266Ile).

NM_147127.5(EVC2):c.797C>T (p.Thr266Ile)

Gene: EVC2 (EvC ciliary complex subunit 2; minus strand). Cytogenetic location: 4p16.2.
Variant type: single nucleotide variant.
Coding change: c.797C>T on transcript NM_147127.5 (MANE Select); coding-DNA position 797, C replaced by T.
Protein change: p.Thr266Ile; replaces threonine 266 with isoleucine.
Molecular consequence: missense variant.
Genome position (GRCh38, 1-based): chr4:5,685,389, G>A on the plus strand (C>T on the coding strand, the complement: EVC2 is on the minus strand). VCF-style: chr4-5685389-G-A. GRCh37 (hg19) VCF-style: chr4-5687116-G-A.
Other names: c.557C>T, p.Thr186Ile (NM_001166136.2); short protein forms T266I, T186I.
Identifiers: ClinVar variation 2949588 (VCV002949588.3), dbSNP rs750135425, ClinGen allele CA356146727.
Genomic context (GRCh38, chr4:5,685,389, plus strand): 5'-TGGCAGTGGCAAGACAGAGATTAAAGTAACAAAGGTCATACCCGTGACGAGCTCTGAAAG[G>A]TGAGTTGGGCAGGAAGCTTGAGGCTCTCCCCGTTCCCGAGGTCTCCAGCCTGGAGCGTGG-3'
Protein context (NP_667338.3, residues 256-276): GESLKLPAQL[Thr266Ile]FQSSSRNRTQ